The following is an entry in ClinVar:

ClinVar aggregate classification (germline): Benign. Review status: criteria provided, multiple submitters, no conflicts (2 of 4 stars). 6 submissions from 6 submitters: Benign (4). 2 of the submissions do not count toward it. Last evaluated 2018-07-09.

Conditions:
alpha Thalassemia. Also called: Alpha thalassemia spectrum. Identifiers: Orphanet 846, MedGen C0002312, MONDO:0011399, OMIM 604131.

Allele frequency attached by ClinVar (database versions not stated): gnomAD 0.86184; 1000 Genomes Project 0.93391; TOPMed 0.86673.

Submissions (6):

GeneDx
Classification: Benign. Last evaluated: 2018-07-09. Review status: criteria provided, single submitter. Criteria: GeneDx Variant Classification Process June 2021. Collection method: clinical testing. Allele origin: germline. Affected: yes.
Comment: This variant is associated with the following publications: (PMID: 15365991)

ARUP Laboratories, Molecular Genetics and Genomics, ARUP Laboratories
Classification: Benign. Last evaluated: 2018-07-05. Review status: criteria provided, single submitter. Criteria: ARUP Molecular Germline Variant Investigation Process. Collection method: clinical testing. Allele origin: germline.

Laboratory for Molecular Medicine, Mass General Brigham Personalized Medicine
Classification: Benign. Last evaluated: 2016-03-28. Review status: criteria provided, single submitter. Criteria: LMM Criteria. Collection method: clinical testing. Allele origin: germline.
Comment: Variant identified in a genome or exome case(s) and assessed due to predicted null impact of the variant or pathogenic assertions in the literature or databases. Disclaimer: This variant has not undergone full assessment. The following are preliminary notes: Frequency in 1000Genomes: 1966/2178= 90.26%

Breakthrough Genomics
Classification: Benign. Review status: criteria provided, single submitter. Criteria: ACMG Guidelines, 2015. Collection method: not provided. Allele origin: germline. Inheritance: Autosomal dominant inheritance. Affected: yes.

MOLECULAR BIOLOGY AND HUMAN GENETICS DIVISION, THE UNIVERSITY OF BURDWAN
Classification: Benign for alpha Thalassemia. Last evaluated: 2025-04-21. Review status: no assertion criteria provided. Collection method: research. Allele origin: germline. Affected: no. Observed: 6 variant alleles. Not counted in ClinVar's aggregate classification.
Comment: The variant present at higher frequency in general population, no phenotypic effect was identified in heterozygous condition

Downstream variant of HBA2 gene, commonly occuring in the Bengali Beta-thalassemia patients during alpha-globin gene mutation screening.

The ITHANET community portal, The Cyprus Institute of Neurology and Genetics
Classification: Benign for alpha Thalassemia. Last evaluated: 2019-11-25. Review status: no assertion criteria provided. Collection method: curation. Allele origin: germline. Not counted in ClinVar's aggregate classification.

Literature cited by the submitters: PubMed 17296579 (cited by MOLECULAR BIOLOGY AND HUMAN GENETICS DIVISION, THE UNIVERSITY OF BURDWAN and The ITHANET community portal, The Cyprus Institute of Neurology and Genetics); PubMed 15365991 (cited by The ITHANET community portal, The Cyprus Institute of Neurology and Genetics).

NC_000016.10:g.173736A>G

Gene: HBA2 (hemoglobin subunit alpha 2; plus strand). Cytogenetic location: 16p13.3.
Variant type: single nucleotide variant.
Genome position: GRCh38 VCF-style: chr16-173736-A-G. GRCh37 (hg19) VCF-style: chr16-223735-A-G.
Other names: +861 G>A.
Identifiers: ClinVar variation 402921 (VCV000402921.18), dbSNP rs2685121, ClinGen allele CA14235471.